The following is an entry in ClinVar:

ClinVar aggregate classification (germline): Benign (1 of 4 stars; one submission).

Allele frequency attached by ClinVar (database versions not stated): 1000 Genomes Project 0.13798; 1000 Genomes Project 30x 0.13991; gnomAD 0.14347 and 0.14772; TOPMed 0.14939.
gnomAD v4.1: 116,828 of 1,120,244 alleles (10%); highest among the groups gnomAD compares: African/African-American, 28%; 7,664 homozygotes.

Submission:

GeneDx
Classification: Benign. Last evaluated: 2018-06-19. Review status: criteria provided, single submitter. Criteria: GeneDx Variant Classification (06012015). Collection method: clinical testing. Allele origin: germline. Affected: yes.
Comment: This variant is considered likely benign or benign based on one or more of the following criteria: it is a conservative change, it occurs at a poorly conserved position in the protein, it is predicted to be benign by multiple in silico algorithms, and/or has population frequency not consistent with disease.

NM_001082538.3(TCTN1):c.625-108G>C

Gene: TCTN1 (tectonic family member 1; plus strand). Cytogenetic location: 12q24.11.
Variant type: single nucleotide variant.
Coding change: c.625-108G>C on transcript NM_001082538.3 (MANE Select); 108 bases into the intron before coding-DNA position 625, G replaced by C.
Molecular consequence: intron variant.
Genome position (GRCh38, 1-based): chr12:110,632,364, G>C. VCF-style: chr12-110632364-G-C. GRCh37 (hg19) VCF-style: chr12-111070169-G-C.
Other names: c.457-108G>C (NM_001173975.3); c.445-108G>C (NM_001173976.2); c.91-108G>C (NM_001319681.2); c.625-108G>C (NM_024549.6, NM_001082537.3, NM_001319680.2).
Identifiers: ClinVar variation 675108 (VCV000675108.1), dbSNP rs970228, ClinGen allele CA13632534.
Genomic context (GRCh38, chr12:110,632,364, plus strand): 5'-GCGACACAACTAGATGTGAGCTTCTTGAGGGCAAGGACCACATCTGTTTTTTGCTCATCA[G>C]TGTGTCTCTGATGCCTGCAGTGCTGCTTGGCACATTGTGGGTGCCCAGTAAGTGTTGAAT-3'